The following is an entry in ClinVar:

ClinVar aggregate classification (germline): Uncertain significance (1 of 4 stars; one submission).

Conditions:
Inborn genetic diseases. Identifiers: MedGen C0950123, MeSH D030342.

Submission:

Ambry Genetics
Classification: Uncertain significance for Inborn genetic diseases. Last evaluated: 2022-02-15. Review status: criteria provided, single submitter. Criteria: Ambry Variant Classification Scheme 2023. Collection method: clinical testing. Allele origin: germline.
Comment: The p.P426R variant (also known as c.1277C>G), located in coding exon 13 of the ERCC2 gene, results from a C to G substitution at nucleotide position 1277. The proline at codon 426 is replaced by arginine, an amino acid with dissimilar properties. This amino acid position is conserved. In addition, this alteration is predicted to be deleterious by in silico analysis. Since supporting evidence is limited at this time, the clinical significance of this alteration remains unclear.

NM_000400.4(ERCC2):c.1277C>G (p.Pro426Arg)

Gene: ERCC2 (ERCC excision repair 2, TFIIH core complex helicase subunit; minus strand). Cytogenetic location: 19q13.32.
Variant type: single nucleotide variant.
Coding change: c.1277C>G on transcript NM_000400.4 (MANE Select); coding-DNA position 1277, C replaced by G.
Protein change: p.Pro426Arg; replaces proline 426 with arginine.
Molecular consequence: missense variant.
Genome position (GRCh38, 1-based): chr19:45,357,660, G>C on the plus strand (C>G on the coding strand, the complement: ERCC2 is on the minus strand). VCF-style: chr19-45357660-G-C. GRCh37 (hg19) VCF-style: chr19-45860918-G-C.
Other names: short protein forms P426R.
Identifiers: ClinVar variation 1766844 (VCV001766844.2), dbSNP rs377739888, ClinGen allele CA406368067.